The following is an entry in ClinVar:

ClinVar aggregate classification (germline): Conflicting classifications of pathogenicity. Review status: criteria provided, conflicting classifications (1 of 4 stars). 2 submissions from 2 submitters: Uncertain significance (1); Likely benign (1). Last evaluated 2025-08-31.

Conditions:
Cone-rod dystrophy. Also called: Cone-rod degeneration; Cone/cone-rod dystrophy. Identifiers: Orphanet 1872, MedGen C4085590, MONDO:0015993, HP:0000548.

Allele frequency attached by ClinVar (database versions not stated): TOPMed 0.00005; ESP Exome Variant Server 0.00008; 1000 Genomes Project 30x 0.00078; 1000 Genomes Project 0.00100.
gnomAD v4.1: 76 of 1,614,160 alleles (0.0047%); highest among the groups gnomAD compares: African/African-American, 0.055%; no homozygotes.

Submissions (2):

Labcorp Genetics (formerly Invitae), Labcorp
Classification: Uncertain significance. Last evaluated: 2025-08-31. Review status: criteria provided, single submitter. Criteria: Invitae Variant Classification Sherloc (09022015). Collection method: clinical testing. Allele origin: germline.
Comment: This sequence change replaces phenylalanine, which is neutral and non-polar, with leucine, which is neutral and non-polar, at codon 196 of the UNC119 protein (p.Phe196Leu). This variant is present in population databases (rs145972313, gnomAD 0.03%). This variant has not been reported in the literature in individuals affected with UNC119-related conditions. ClinVar contains an entry for this variant (Variation ID: 891202). An algorithm developed to predict the effect of missense changes on protein structure and function (PolyPhen-2) suggests that this variant is likely to be disruptive. In summary, the available evidence is currently insufficient to determine the role of this variant in disease. Therefore, it has been classified as a Variant of Uncertain Significance.

Illumina Laboratory Services, Illumina
Classification: Likely benign for Cone-rod dystrophy. Last evaluated: 2018-01-13. Review status: criteria provided, single submitter. Criteria: ICSL Variant Classification Criteria 13 December 2019. Collection method: clinical testing. Allele origin: germline.
Comment: This variant was observed in the ICSL laboratory as part of a predisposition screen in an ostensibly healthy population. It had not been previously curated by ICSL or reported in the Human Gene Mutation Database (HGMD: prior to June 1st, 2018), and was therefore a candidate for classification through an automated scoring system. Utilizing variant allele frequency, disease prevalence and penetrance estimates, and inheritance mode, an automated score was calculated to assess if this variant is too frequent to cause the disease. Based on the score and internal cut-off values, a variant classified as likely benign is not then subjected to further curation. The score for this variant resulted in a classification of likely benign for this disease.

NM_005148.4(UNC119):c.586T>C (p.Phe196Leu)

Gene: UNC119 (unc-119 lipid binding chaperone; minus strand). Cytogenetic location: 17q11.2.
Variant type: single nucleotide variant.
Coding change: c.586T>C on transcript NM_005148.4 (MANE Select); coding-DNA position 586, T replaced by C.
Protein change: p.Phe196Leu; replaces phenylalanine 196 with leucine.
Molecular consequence: missense variant.
Genome position (GRCh38, 1-based): chr17:28,547,701, A>G on the plus strand (T>C on the coding strand, the complement: UNC119 is on the minus strand). VCF-style: chr17-28547701-A-G. GRCh37 (hg19) VCF-style: chr17-26874719-A-G.
Other names: c.301T>C, p.Phe101Leu (NM_001330166.2); c.586T>C, p.Phe196Leu (NM_054035.2); short protein forms F101L, F196L.
Identifiers: ClinVar variation 891202 (VCV000891202.9), dbSNP rs145972313, ClinGen allele CA8459747.
Genomic context (GRCh38, chr17:28,547,701, plus strand): 5'-CCACTTCCCCACTCCCAGAAGACCCTGCCCGCGCACTCAGCTCCTCGGAGAGAGGGGGGA[A>G]GTCGTAAATGTGCTCGCAGGTGTTCTTGCTGCTGGGGATGCAGAAGCCAAAGTGGAAGTC-3'
Protein context (NP_005139.1, residues 186-206): SKNTCEHIYD[Phe196Leu]PPLSEELISE